The following is an entry in ClinVar:

ClinVar aggregate classification (germline): Uncertain significance. Review status: criteria provided, multiple submitters, no conflicts (2 of 4 stars). 2 submissions from 2 submitters: Uncertain significance (2). Last evaluated 2026-01-26.

Conditions:
Glanzmann thrombasthenia. Also called: Thrombasthenia; THROMBASTHENIA OF GLANZMANN AND NAEGELI; Glanzmann's thrombasthenia; PLATELET GLYCOPROTEIN IIb-IIIa DEFICIENCY. Identifiers: Orphanet 849, MedGen C0040015, MONDO:0100326.

Allele frequency attached by ClinVar (database versions not stated): ExAC 0.00001; gnomAD exomes 0.00002; gnomAD 0.00016; TOPMed 0.00017; ESP Exome Variant Server 0.00031.
gnomAD v4.1: 58 of 1,613,696 alleles (0.0036%); highest among the groups gnomAD compares: African/African-American, 0.055%; no homozygotes.

Submissions (2):

Labcorp Genetics (formerly Invitae), Labcorp
Classification: Uncertain significance for Glanzmann thrombasthenia. Last evaluated: 2026-01-26. Review status: criteria provided, single submitter. Criteria: Invitae Variant Classification Sherloc (09022015). Collection method: clinical testing. Allele origin: germline.
Comment: This sequence change replaces asparagine, which is neutral and polar, with lysine, which is basic and polar, at codon 711 of the ITGA2B protein (p.Asn711Lys). This variant is present in population databases (rs140919615, gnomAD 0.04%). This variant has not been reported in the literature in individuals affected with ITGA2B-related conditions. ClinVar contains an entry for this variant (Variation ID: 2695272). Invitae Evidence Modeling of protein sequence and biophysical properties (such as structural, functional, and spatial information, amino acid conservation, physicochemical variation, residue mobility, and thermodynamic stability) has been performed for this missense variant. However, the output from this modeling did not meet the statistical confidence thresholds required to predict the impact of this variant on ITGA2B protein function. In summary, the available evidence is currently insufficient to determine the role of this variant in disease. Therefore, it has been classified as a Variant of Uncertain Significance.

Blueprint Genetics
Classification: Uncertain significance. Last evaluated: 2021-09-08. Review status: criteria provided, single submitter. Criteria: ACMG Guidelines, 2015. Collection method: clinical testing. Allele origin: germline.

NM_000419.5(ITGA2B):c.2133T>G (p.Asn711Lys)

Gene: ITGA2B (integrin subunit alpha 2b; minus strand). Cytogenetic location: 17q21.31.
Variant type: single nucleotide variant.
Coding change: c.2133T>G on transcript NM_000419.5 (MANE Select); coding-DNA position 2133, T replaced by G.
Protein change: p.Asn711Lys; replaces asparagine 711 with lysine.
Molecular consequence: missense variant.
Genome position (GRCh38, 1-based): chr17:44,377,752, A>C on the plus strand (T>G on the coding strand, the complement: ITGA2B is on the minus strand). VCF-style: chr17-44377752-A-C. GRCh37 (hg19) VCF-style: chr17-42455120-A-C.
Other names: short protein forms N711K.
Identifiers: ClinVar variation 2695272 (VCV002695272.4), dbSNP rs140919615, ClinGen allele CA8602813.
Genomic context (GRCh38, chr17:44,377,752, plus strand): 5'-CCTCACCTGGGCGTTCTTCTTCATGGGGTTGCCCAGCTCACACAGCACCACCCTGGTCTC[A>C]TTCTCCTTCTTCTGATTACAGATGAGTCTCTCAAAGCCCTTCAGGAAGGCAGTTCCAAGA-3'
Protein context (NP_000410.2, residues 701-721): ERLICNQKKE[Asn711Lys]ETRVVLCELG